The following is an entry in ClinVar:

ClinVar aggregate classification (germline): Uncertain significance (1 of 4 stars; one submission).

gnomAD v4.1: 3 of 1,614,146 alleles (0.00019%); highest among the groups gnomAD compares: African/African-American, 0.0013%; no homozygotes.

Submission:

Labcorp Genetics (formerly Invitae), Labcorp
Classification: Uncertain significance. Last evaluated: 2022-12-01. Review status: criteria provided, single submitter. Criteria: Invitae Variant Classification Sherloc (09022015). Collection method: clinical testing. Allele origin: germline.
Comment: This sequence change falls in intron 18 of the ATP6V0A4 gene. It does not directly change the encoded amino acid sequence of the ATP6V0A4 protein. It affects a nucleotide within the consensus splice site. This variant is present in population databases (rs555874912, gnomAD 0.0009%). This variant has not been reported in the literature in individuals affected with ATP6V0A4-related conditions. Variants that disrupt the consensus splice site are a relatively common cause of aberrant splicing (PMID: 17576681, 9536098). Algorithms developed to predict the effect of sequence changes on RNA splicing suggest that this variant may disrupt the consensus splice site. In summary, the available evidence is currently insufficient to determine the role of this variant in disease. Therefore, it has been classified as a Variant of Uncertain Significance.

Literature cited by the submitters: PubMed 17576681; PubMed 9536098.

NM_020632.3(ATP6V0A4):c.2010+5G>A

Gene: ATP6V0A4 (ATPase H+ transporting V0 subunit a4; minus strand). Cytogenetic location: 7q34.
Variant type: single nucleotide variant.
Coding change: c.2010+5G>A on transcript NM_020632.3 (MANE Select); 5 bases into the intron after coding-DNA position 2010, G replaced by A.
Molecular consequence: intron variant.
Genome position (GRCh38, 1-based): chr7:138,728,756, C>T on the plus strand (G>A on the coding strand, the complement: ATP6V0A4 is on the minus strand). VCF-style: chr7-138728756-C-T. GRCh37 (hg19) VCF-style: chr7-138413501-C-T.
Other names: c.2010+5G>A (NM_130840.3, NM_130841.3).
Identifiers: ClinVar variation 2973058 (VCV002973058.3), dbSNP rs555874912, ClinGen allele CA167130601.